The following is an entry in ClinVar:

NM_144596.4(TTC8):c.1327C>A (p.Arg443=)

Gene: TTC8 (tetratricopeptide repeat domain 8; plus strand). Cytogenetic location: 14q31.3.
Variant type: single nucleotide variant.
Coding change: c.1327C>A on transcript NM_144596.4 (MANE Select); coding-DNA position 1327, C replaced by A.
Protein change: p.Arg443=; no amino-acid change (arginine 443 retained).
Molecular consequence: synonymous variant. On other transcripts: non-coding transcript variant (1).
Genome position (GRCh38, 1-based): chr14:88,872,432, C>A. VCF-style: chr14-88872432-C-A. GRCh37 (hg19) VCF-style: chr14-89338776-C-A.
Other names: c.1375C>A, p.Arg459= (NM_001288781.1); c.733C>A, p.Arg245= (NM_001288782.1); c.610C>A, p.Arg204= (NM_001288783.1); c.1297C>A, p.Arg433= (NM_001366535.2, NM_198309.3); c.1207C>A, p.Arg403= (NM_001366536.2, NM_198310.3); c.1327C>A (NM_144596.3).
Identifiers: ClinVar variation 1116083 (VCV001116083.10), dbSNP rs140698625, ClinGen allele CA487530717.
Genomic context (GRCh38, chr14:88,872,432, plus strand): 5'-GCTCTGGTCAACAACAACAACCACGCCGAGGCCTACAACAACCTGGCTGTGCTGGAGATG[C>A]GGAAGGGCCACGTTGAACAGGTCAGTGAACTGGCAGCGGCATGCTGGGCAGTCTGCTTTC-3'
Protein context (NP_653197.2, residues 433-453): AYNNLAVLEM[Arg443=]KGHVEQARAL

ClinVar aggregate classification (germline): Likely benign. Review status: criteria provided, single submitter (1 of 4 stars). 2 submissions from 2 submitters: Likely benign (1). 1 of the submissions does not count toward it. Last evaluated 2025-07-14.

Conditions:
Bardet-Biedl syndrome (BBS). Identifiers: Orphanet 110, MedGen C0752166, MONDO:0015229.
TTC8-related disorder. Also called: TTC8-related condition.

gnomAD v4.1: 3 of 1,613,830 alleles (0.00019%); highest among the groups gnomAD compares: Non-Finnish European, 0.00025%; no homozygotes.

Submissions (2):

Labcorp Genetics (formerly Invitae), Labcorp
Classification: Likely benign for Bardet-Biedl syndrome. Last evaluated: 2025-07-14. Review status: criteria provided, single submitter. Criteria: Invitae Variant Classification Sherloc (09022015). Collection method: clinical testing. Allele origin: germline.

PreventionGenetics, part of Exact Sciences
Classification: Likely benign for TTC8-related condition. Last evaluated: 2024-01-30. Review status: no assertion criteria provided. Collection method: clinical testing. Allele origin: germline. Not counted in ClinVar's aggregate classification.
Comment: This variant is classified as likely benign based on ACMG/AMP sequence variant interpretation guidelines (Richards et al. 2015 PMID: 25741868, with internal and published modifications).